The following is an entry in ClinVar:

NM_006648.4(WNK2):c.6625C>T (p.Pro2209Ser)

Gene: WNK2 (WNK lysine deficient protein kinase 2; plus strand). Cytogenetic location: 9q22.31.
Variant type: single nucleotide variant.
Coding change: c.6625C>T on transcript NM_006648.4 (MANE Select); coding-DNA position 6625, C replaced by T.
Protein change: p.Pro2209Ser; replaces proline 2209 with serine.
Molecular consequence: missense variant.
Genome position (GRCh38, 1-based): chr9:93,317,628, C>T. VCF-style: chr9-93317628-C-T. GRCh37 (hg19) VCF-style: chr9-96079910-C-T.
Other names: c.6736C>T, p.Pro2246Ser (NM_001282394.3); short protein forms P2209S, P2246S.
Identifiers: ClinVar variation 3982026 (VCV003982026.1).

ClinVar aggregate classification (germline): Uncertain significance (1 of 4 stars; one submission).

gnomAD v4.1: 4 of 1,612,762 alleles (0.00025%); highest among the groups gnomAD compares: South Asian, 0.0011%; no homozygotes.

Submission:

Ambry Genetics
Classification: Uncertain significance. Last evaluated: 2025-05-11. Review status: criteria provided, single submitter. Criteria: Ambry Variant Classification Scheme 2023. Collection method: clinical testing. Allele origin: germline.
Comment: The p.P2209S variant (also known as c.6625C>T), located in coding exon 28 of the WNK2 gene, results from a C to T substitution at nucleotide position 6625. The proline at codon 2209 is replaced by serine, an amino acid with similar properties. This amino acid position is conserved. In addition, this alteration is predicted to be tolerated by in silico analysis. Based on the available evidence, the clinical significance of this variant remains unclear.